The following is an entry in ClinVar:

ClinVar aggregate classification (germline): Likely pathogenic. Review status: reviewed by expert panel (3 of 4 stars). 5 submissions from 5 submitters: Likely pathogenic (1). 4 of the submissions do not count toward it. Last evaluated 2018-12-10.

Conditions:
Phenylketonuria (PKU). Also called: Phenylketonuria (PKU); FOLLING DISEASE; OLIGOPHRENIA PHENYLPYRUVICA; Phenylketonurias. Identifiers: Orphanet 716, MedGen C0031485, MONDO:0009861, OMIM 261600. Disease mechanism: loss of function.

Submissions (5):

ClinGen PAH Variant Curation Expert Panel
Classification: Likely pathogenic for Phenylketonuria. Last evaluated: 2018-12-10. Review status: reviewed by expert panel. Criteria: ClinGen PAH ACMG Specifications v1. Collection method: curation. Allele origin: germline. Inheritance: Autosomal recessive inheritance.
Comment: The c.739G>C (p.Gly247Arg) variant in PAH has been reported in 3 patients with PAH deficiency, with BH4 deficiency assessed in 2 patients. PMID: 21307867, 18985011, 16256386. It was detected with known pathogenic variants R413P (PMID: 16256386) and V388M (PMID: 18985011). It was absent from ExAC, gnomAD, 1000G, and ESP. This variant is predicted deleterious in SIFT, Polyphen2, MutationTaster, and REVEL=0.981. In summary, this variant meets criteria to be classified as likely pathogenic for PAH. PAH-specific ACMG/AMP criteria applied: PM3_strong, PM2, PP4_Moderate, PP3.

Labcorp Genetics (formerly Invitae), Labcorp
Classification: Pathogenic for Phenylketonuria. Last evaluated: 2023-04-10. Review status: criteria provided, single submitter. Criteria: Invitae Variant Classification Sherloc (09022015). Collection method: clinical testing. Allele origin: germline. Not counted in ClinVar's aggregate classification.
Comment: Advanced modeling of protein sequence and biophysical properties (such as structural, functional, and spatial information, amino acid conservation, physicochemical variation, residue mobility, and thermodynamic stability) performed at Invitae indicates that this missense variant is expected to disrupt PAH protein function. For these reasons, this variant has been classified as Pathogenic. This variant disrupts the p.Gly247 amino acid residue in PAH. Other variant(s) that disrupt this residue have been determined to be pathogenic (PMID: 21953985, 26600521). This suggests that this residue is clinically significant, and that variants that disrupt this residue are likely to be disease-causing. ClinVar contains an entry for this variant (Variation ID: 102816). This missense change has been observed in individual(s) with hyperphenylalaninemia (PMID: 16256386, 18985011). This variant is not present in population databases (gnomAD no frequency). This sequence change replaces glycine, which is neutral and non-polar, with arginine, which is basic and polar, at codon 247 of the PAH protein (p.Gly247Arg).

Juno Genomics, Hangzhou Juno Genomics, Inc
Classification: Pathogenic for Phenylketonuria. Review status: criteria provided, single submitter. Criteria: ACMG Guidelines, 2015. Collection method: clinical testing. Allele origin: germline. Affected: yes. Not counted in ClinVar's aggregate classification.
Comment: Absent from controls (or at extremely low frequency if recessive) in Genome Aggregation Database.;For recessive disorders, detected in trans with a pathogenic variant.;Multiple lines of computational evidence support a deleterious effect on the gene or gene product.

Counsyl
Classification: Likely pathogenic for Phenylketonuria. Last evaluated: 2017-07-07. Review status: no assertion criteria provided. Collection method: clinical testing. Allele origin: unknown. Not counted in ClinVar's aggregate classification.

DeBelle Laboratory for Biochemical Genetics, MUHC/MCH RESEARCH INSTITUTE
No classification provided. Review status: no classification provided. Collection method: not provided. Allele origin: not provided. Not counted in ClinVar's aggregate classification.

Literature cited by the submitters: PubMed 21307867 (cited by ClinGen PAH Variant Curation Expert Panel); PubMed 16256386 (cited by 3 submitters); PubMed 18985011 (cited by ClinGen PAH Variant Curation Expert Panel and Labcorp Genetics (formerly Invitae), Labcorp); PubMed 21953985 (cited by Labcorp Genetics (formerly Invitae), Labcorp); PubMed 26600521 (cited by Labcorp Genetics (formerly Invitae), Labcorp and Counsyl); PubMed 26503515 (cited by Counsyl); PubMed 25456745 (cited by Counsyl).

NM_000277.3(PAH):c.739G>C (p.Gly247Arg)

Gene: PAH (phenylalanine hydroxylase; minus strand). Cytogenetic location: 12q23.2.
Variant type: single nucleotide variant.
Coding change: c.739G>C on transcript NM_000277.3 (MANE Select); coding-DNA position 739, G replaced by C.
Protein change: p.Gly247Arg; replaces glycine 247 with arginine.
Molecular consequence: missense variant.
Genome position (GRCh38, 1-based): chr12:102,852,918, C>G on the plus strand (G>C on the coding strand, the complement: PAH is on the minus strand). VCF-style: chr12-102852918-C-G. GRCh37 (hg19) VCF-style: chr12-103246696-C-G.
Other names: NM_000277.2(PAH):c.739G>C; c.739G>C, p.Gly247Arg (NM_001354304.2); short protein forms G247R.
Identifiers: ClinVar variation 102816 (VCV000102816.12), dbSNP rs62508731, ClinGen allele CA229732.
Genomic context (GRCh38, chr12:102,852,918, plus strand): 5'-GTGTGCAGTGGAAGACTCGGAAGGCCAGGCCACCCAAGAAATCCCGAGAGGAAAGCAGGC[C>G]AGCCACAGGTCGGAGGCGGAAACCAGTGCAAGCTGGGATGAAAAGAAGAAAGAAAACTCA-3'
Protein context (NP_000268.1, residues 237-257): CTGFRLRPVA[Gly247Arg]LLSSRDFLGG